The following is an entry in ClinVar:

NM_022124.6(CDH23):c.1752+110T>C

Gene: CDH23 (cadherin related 23; plus strand). Cytogenetic location: 10q22.1.
Variant type: single nucleotide variant.
Coding change: c.1752+110T>C on transcript NM_022124.6 (MANE Select); 110 bases into the intron after coding-DNA position 1752, T replaced by C.
Molecular consequence: intron variant.
Genome position (GRCh38, 1-based): chr10:71,677,803, T>C. VCF-style: chr10-71677803-T-C. GRCh37 (hg19) VCF-style: chr10-73437560-T-C.
Other names: c.1752+110T>C (NM_001171930.2, NM_001171931.2).
Identifiers: ClinVar variation 678768 (VCV000678768.1), dbSNP rs1227040, ClinGen allele CA13159392.

ClinVar aggregate classification (germline): Benign (1 of 4 stars; one submission).

Allele frequency attached by ClinVar (database versions not stated): TOPMed 0.60381; gnomAD 0.60899 and 0.61574; 1000 Genomes Project 30x 0.62133; 1000 Genomes Project 0.62700; gnomAD exomes 0.67778.
gnomAD v4.1: 586,103 of 879,010 alleles (67%); highest among the groups gnomAD compares: East Asian, 76%; 198,357 homozygotes.

Submission:

GeneDx
Classification: Benign. Last evaluated: 2018-06-14. Review status: criteria provided, single submitter. Criteria: GeneDx Variant Classification (06012015). Collection method: clinical testing. Allele origin: germline. Affected: yes.
Comment: This variant is considered likely benign or benign based on one or more of the following criteria: it is a conservative change, it occurs at a poorly conserved position in the protein, it is predicted to be benign by multiple in silico algorithms, and/or has population frequency not consistent with disease.